The following is an entry in ClinVar:

ClinVar aggregate classification (germline): Benign/Likely benign. Review status: criteria provided, multiple submitters, no conflicts (2 of 4 stars). 5 submissions from 5 submitters: Benign (2); Likely benign (2). 1 of the submissions does not count toward it. Last evaluated 2025-07-09.

Conditions:
ITGA3-related disorder. Also called: ITGA3-related condition.
Epidermolysis bullosa, junctional 7, with interstitial lung disease and nephrotic syndrome. Also called: Interstitial lung disease, nephrotic syndrome, and epidermolysis bullosa, congenital; Interstitial Lung Disease with Nephrotic Syndrome and Epidermolysis Bullosa. Identifiers: Orphanet 306504, MedGen C4518785, MONDO:0013881, OMIM 614748.

Allele frequency attached by ClinVar (database versions not stated): gnomAD exomes 0.00010 and 0.00022; ExAC 0.00024; 1000 Genomes Project 0.00060; 1000 Genomes Project 30x 0.00078; gnomAD 0.00096; ESP Exome Variant Server 0.00108; TOPMed 0.00115.
gnomAD v4.1: 293 of 1,614,190 alleles (0.018%); highest among the groups gnomAD compares: African/African-American, 0.34%; 1 homozygote.

Submissions (5):

Labcorp Genetics (formerly Invitae), Labcorp
Classification: Benign. Last evaluated: 2025-07-09. Review status: criteria provided, single submitter. Criteria: Invitae Variant Classification Sherloc (09022015). Collection method: clinical testing. Allele origin: germline.

Blueprint Genetics
Classification: Likely benign. Last evaluated: 2024-11-11. Review status: criteria provided, single submitter. Criteria: ACMG Guidelines, 2015. Collection method: clinical testing. Allele origin: germline.

Fulgent Genetics
Classification: Likely benign for Epidermolysis bullosa, junctional 7, with interstitial lung disease and nephrotic syndrome. Last evaluated: 2021-09-01. Review status: criteria provided, single submitter. Criteria: ACMG Guidelines, 2015. Collection method: clinical testing. Allele origin: unknown.

Breakthrough Genomics
Classification: Benign. Review status: criteria provided, single submitter. Criteria: ACMG Guidelines, 2015. Collection method: not provided. Allele origin: germline. Inheritance: Autosomal recessive inheritance. Affected: yes.

PreventionGenetics, part of Exact Sciences
Classification: Likely benign for ITGA3-related condition. Last evaluated: 2019-05-20. Review status: no assertion criteria provided. Collection method: clinical testing. Allele origin: germline. Not counted in ClinVar's aggregate classification.
Comment: This variant is classified as likely benign based on ACMG/AMP sequence variant interpretation guidelines (Richards et al. 2015 PMID: 25741868, with internal and published modifications).

NM_002204.4(ITGA3):c.1290C>T (p.Phe430=)

Gene: ITGA3 (integrin subunit alpha 3; plus strand). Cytogenetic location: 17q21.33.
Variant type: single nucleotide variant.
Coding change: c.1290C>T on transcript NM_002204.4 (MANE Select); coding-DNA position 1290, C replaced by T.
Protein change: p.Phe430=; no amino-acid change (phenylalanine 430 retained).
Molecular consequence: synonymous variant.
Genome position (GRCh38, 1-based): chr17:50,074,188, C>T. VCF-style: chr17-50074188-C-T. GRCh37 (hg19) VCF-style: chr17-48151552-C-T.
Identifiers: ClinVar variation 718299 (VCV000718299.15), dbSNP rs78768954, ClinGen allele CA8641500.